The following is an entry in ClinVar:

ClinVar aggregate classification (germline): Uncertain significance. Review status: criteria provided, multiple submitters, no conflicts (2 of 4 stars). 2 submissions from 2 submitters: Uncertain significance (2). Last evaluated 2025-07-13.

Allele frequency attached by ClinVar (database versions not stated): TOPMed below 0.00001; gnomAD exomes 0.00002.
gnomAD v4.1: 30 of 1,614,148 alleles (0.0019%); highest among the groups gnomAD compares: Non-Finnish European, 0.0021%; no homozygotes.

Submissions (2):

Ambry Genetics
Classification: Uncertain significance. Last evaluated: 2025-07-13. Review status: criteria provided, single submitter. Criteria: Ambry Variant Classification Scheme 2023. Collection method: clinical testing. Allele origin: germline.

Labcorp Genetics (formerly Invitae), Labcorp
Classification: Uncertain significance. Last evaluated: 2021-09-17. Review status: criteria provided, single submitter. Criteria: Invitae Variant Classification Sherloc (09022015). Collection method: clinical testing. Allele origin: germline.
Comment: This sequence change replaces isoleucine with valine at codon 1169 of the C5 protein (p.Ile1169Val). The isoleucine residue is weakly conserved and there is a small physicochemical difference between isoleucine and valine. This variant is not present in population databases (ExAC no frequency). This variant has not been reported in the literature in individuals with C5-related conditions. Algorithms developed to predict the effect of missense changes on protein structure and function (SIFT, PolyPhen-2, Align-GVGD) all suggest that this variant is likely to be tolerated, but these predictions have not been confirmed by published functional studies and their clinical significance is uncertain. In summary, the available evidence is currently insufficient to determine the role of this variant in disease. Therefore, it has been classified as a Variant of Uncertain Significance.

NM_001735.3(C5):c.3505A>G (p.Ile1169Val)

Gene: C5 (complement C5; minus strand). Cytogenetic location: 9q33.2.
Variant type: single nucleotide variant.
Coding change: c.3505A>G on transcript NM_001735.3 (MANE Select); coding-DNA position 3505, A replaced by G.
Protein change: p.Ile1169Val; replaces isoleucine 1169 with valine.
Molecular consequence: missense variant.
Genome position (GRCh38, 1-based): chr9:120,980,236, T>C on the plus strand (A>G on the coding strand, the complement: C5 is on the minus strand). VCF-style: chr9-120980236-T-C. GRCh37 (hg19) VCF-style: chr9-123742514-T-C.
Other names: c.3523A>G, p.Ile1175Val (NM_001317163.2); c.3505A>G (NM_001735.2); short protein forms I1169V, I1175V.
Identifiers: ClinVar variation 1523273 (VCV001523273.6), dbSNP rs2046982002, ClinGen allele CA374727693.